The following is an entry in ClinVar:

ClinVar aggregate classification (germline): Likely pathogenic. Review status: criteria provided, multiple submitters, no conflicts (2 of 4 stars). 2 submissions from 2 submitters: Likely pathogenic (2). Last evaluated 2023-09-21.

Conditions:
Juvenile polyposis syndrome (JPS). Identifiers: Orphanet 2929, MedGen C0345893, MONDO:0017380, OMIM 174900.
SMAD4-related disorder. Also called: SMAD4-related condition; SMAD4-Related disorders.

Submissions (2):

Labcorp Genetics (formerly Invitae), Labcorp
Classification: Likely pathogenic for Juvenile polyposis syndrome. Last evaluated: 2023-09-21. Review status: criteria provided, single submitter. Criteria: Invitae Variant Classification Sherloc (09022015). Collection method: clinical testing. Allele origin: germline.
Comment: In summary, the currently available evidence indicates that the variant is pathogenic, but additional data are needed to prove that conclusively. Therefore, this variant has been classified as Likely Pathogenic. This variant disrupts the p.Cys363 amino acid residue in SMAD4. Other variant(s) that disrupt this residue have been determined to be pathogenic (PMID: 17873119, 23805858; Invitae). This suggests that this residue is clinically significant, and that variants that disrupt this residue are likely to be disease-causing. Advanced modeling of protein sequence and biophysical properties (such as structural, functional, and spatial information, amino acid conservation, physicochemical variation, residue mobility, and thermodynamic stability) has been performed at Invitae for this missense variant, however the output from this modeling did not meet the statistical confidence thresholds required to predict the impact of this variant on SMAD4 protein function. ClinVar contains an entry for this variant (Variation ID: 1499663). This missense change has been observed in individual(s) with clinical features of juvenile polyposis syndrome (Invitae). This variant is not present in population databases (gnomAD no frequency). This sequence change replaces cysteine, which is neutral and slightly polar, with glycine, which is neutral and non-polar, at codon 363 of the SMAD4 protein (p.Cys363Gly).

PreventionGenetics, part of Exact Sciences
Classification: Likely pathogenic for SMAD4-related condition. Last evaluated: 2023-07-21. Review status: criteria provided, single submitter. Criteria: ACMG Guidelines, 2015. Collection method: clinical testing. Allele origin: germline.
Comment: The SMAD4 c.1087T>G variant is predicted to result in the amino acid substitution p.Cys363Gly. To our knowledge, this variant has not been reported in the literature or in a large population database, indicating this variant is rare. This variant is listed as likely pathogenic in ClinVar database. Other variant at this codon p.Cys363Arg has been reported in at least two individuals with autosomal dominant Juvenile polyposis/hereditary hemorrhagic telangiectasia syndrome (Aretz et al. 2007. PubMed ID: 17873119; Lux et al. 2013. PubMed ID: 23805858). Other variant at this codon p.Arg363Tyr is listed as likely pathogenic in ClinVar database. This variant is interpreted as likely pathogenic.

Literature cited by the submitters: PubMed 17873119 (cited by Labcorp Genetics (formerly Invitae), Labcorp); PubMed 23805858 (cited by Labcorp Genetics (formerly Invitae), Labcorp).

NM_005359.6(SMAD4):c.1087T>G (p.Cys363Gly)

Gene: SMAD4 (SMAD family member 4; plus strand). Cytogenetic location: 18q21.2.
Variant type: single nucleotide variant.
Coding change: c.1087T>G on transcript NM_005359.6 (MANE Select); coding-DNA position 1087, T replaced by G.
Protein change: p.Cys363Gly; replaces cysteine 363 with glycine.
Molecular consequence: missense variant.
Genome position (GRCh38, 1-based): chr18:51,065,554, T>G. VCF-style: chr18-51065554-T-G. GRCh37 (hg19) VCF-style: chr18-48591924-T-G.
Other names: c.1087T>G (NM_005359.5); short protein forms C363G.
Identifiers: ClinVar variation 1499663 (VCV001499663.8), dbSNP rs377767348, ClinGen allele CA402464400.